The following is an entry in ClinVar:

NM_014000.3(VCL):c.1360G>A (p.Gly454Arg)

Gene: VCL (vinculin; plus strand). Cytogenetic location: 10q22.2.
Variant type: single nucleotide variant.
Coding change: c.1360G>A on transcript NM_014000.3 (MANE Select); coding-DNA position 1360, G replaced by A.
Protein change: p.Gly454Arg; replaces glycine 454 with arginine.
Molecular consequence: missense variant.
Genome position (GRCh38, 1-based): chr10:74,094,278, G>A. VCF-style: chr10-74094278-G-A. GRCh37 (hg19) VCF-style: chr10-75854036-G-A.
Other names: c.1360G>A, p.Gly454Arg (NM_003373.4); short protein forms G454R.
Identifiers: ClinVar variation 2502155 (VCV002502155.2), dbSNP rs2549225257, ClinGen allele CA377273652.

ClinVar aggregate classification (germline): Uncertain significance (1 of 4 stars; one submission).

Conditions:
Dilated cardiomyopathy 1W (CMD1W). Identifiers: Orphanet 154, MedGen C1969639, MONDO:0012667, OMIM 611407.
Hypertrophic cardiomyopathy 15. Identifiers: MedGen C2750459, MONDO:0013200, OMIM 613255.

Allele frequency attached by ClinVar (database versions not stated): gnomAD exomes 0.00001.
gnomAD v4.1: 11 of 1,614,172 alleles (0.00068%); highest among the groups gnomAD compares: Non-Finnish European, 0.00093%; no homozygotes.

Submission:

New York Genome Center
Classification: Uncertain significance for Dilated cardiomyopathy 1W; Hypertrophic cardiomyopathy 15. Last evaluated: 2022-04-20. Review status: criteria provided, single submitter. Criteria: NYGC Assertion Criteria 2020. Collection method: clinical testing. Allele origin: germline. Observed: 1 heterozygote.
Comment: The c.1360G>A (p.Gly454Arg) variant identified in the VCL gene substitutes a well conserved Glycine for Arginine at amino acid454/1067 (exon 11/21). This variant is absent from population databases (gnomADv2.1.1, gnomADv3.1.2, BRAVO-TOPMed Freeze 8) suggesting it is not a common benign variant in the populations represented in those databases. In silico algorithms predict this variant to be Pathogenic (REVEL; score:0.642) to the function of the canonical transcript. This variant is absent from ClinVar and to our current knowledge has not been reported in affected individuals in the literature. Given the lack of compelling evidence for its pathogenicity, the c.1360G>A (p.Gly454Arg) variant identified in the VCL gene is reported as a Variant of Uncertain Significance.